The following is an entry in ClinVar:

ClinVar aggregate classification (germline): Uncertain significance (1 of 4 stars; one submission).

Submission:

Ambry Genetics
Classification: Uncertain significance. Last evaluated: 2024-02-01. Review status: criteria provided, single submitter. Criteria: Ambry Variant Classification Scheme 2023. Collection method: clinical testing. Allele origin: germline.
Comment: The p.I181M variant (also known as c.543A>G), located in coding exon 5 of the PKP4 gene, results from an A to G substitution at nucleotide position 543. The isoleucine at codon 181 is replaced by methionine, an amino acid with highly similar properties. This amino acid position is conserved. In addition, this alteration is predicted to be tolerated by in silico analysis. Based on the available evidence, the clinical significance of this alteration remains unclear.

NM_003628.6(PKP4):c.543A>G (p.Ile181Met)

Gene: PKP4 (plakophilin 4; plus strand). Cytogenetic location: 2q24.1.
Variant type: single nucleotide variant.
Coding change: c.543A>G on transcript NM_003628.6 (MANE Select); coding-DNA position 543, A replaced by G.
Protein change: p.Ile181Met; replaces isoleucine 181 with methionine.
Molecular consequence: missense variant. On other transcripts: 5 prime UTR variant (1).
Genome position (GRCh38, 1-based): chr2:158,621,361, A>G. VCF-style: chr2-158621361-A-G. GRCh37 (hg19) VCF-style: chr2-159477873-A-G.
Other names: c.543A>G, p.Ile181Met (NM_001005476.4, NM_001304969.3, NM_001304971.2 and 6 more transcripts); c.-407A>G (NM_001304970.3); c.537A>G, p.Ile179Met (NM_001377222.1, NM_001377223.1, NM_001377224.1); short protein forms I179M, I181M.
Identifiers: ClinVar variation 3223530 (VCV003223530.1), dbSNP rs2529578367, ClinGen allele CA348904665.